The following is an entry in ClinVar:

NM_000245.4(MET):c.1598C>T (p.Pro533Leu)

Gene: MET (MET proto-oncogene, receptor tyrosine kinase; plus strand). Cytogenetic location: 7q31.2.
Variant type: single nucleotide variant.
Coding change: c.1598C>T on transcript NM_000245.4 (MANE Select); coding-DNA position 1598, C replaced by T.
Protein change: p.Pro533Leu; replaces proline 533 with leucine.
Molecular consequence: missense variant.
Genome position (GRCh38, 1-based): chr7:116,740,922, C>T. VCF-style: chr7-116740922-C-T. GRCh37 (hg19) VCF-style: chr7-116380976-C-T.
Other names: c.1598C>T (NM_000245.2); c.1598C>T, p.Pro533Leu (NM_001127500.3, NM_001324401.3); c.308C>T, p.Pro103Leu (NM_001324402.2); short protein forms P103L, P533L.
Identifiers: ClinVar variation 1318630 (VCV001318630.6), dbSNP rs2116835610, ClinGen allele CA368975379.

ClinVar aggregate classification (germline): Uncertain significance. Review status: criteria provided, multiple submitters, no conflicts (2 of 4 stars). 3 submissions from 3 submitters: Uncertain significance (3). Last evaluated 2026-07-07.

Conditions:
Renal cell carcinoma. Identifiers: Orphanet 217071, MedGen C0007134, MeSH D002292, MONDO:0005086, HP:0005584.
Hereditary cancer-predisposing syndrome. Also called: Neoplastic Syndromes, Hereditary; Tumor predisposition; Hereditary Cancer Syndrome; Hereditary neoplastic syndrome. Identifiers: Orphanet 140162, MedGen C0027672, MeSH D009386, MONDO:0015356.

Submissions (3):

Ambry Genetics
Classification: Uncertain significance for Hereditary cancer-predisposing syndrome. Last evaluated: 2026-07-07. Review status: criteria provided, single submitter. Criteria: Ambry Variant Classification Scheme 2023. Collection method: clinical testing. Allele origin: germline.
Comment: The p.P533L variant (also known as c.1598C>T), located in coding exon 4 of the MET gene, results from a C to T substitution at nucleotide position 1598. The proline at codon 533 is replaced by leucine, an amino acid with similar properties. This amino acid position is conserved. In addition, this alteration is predicted to be tolerated by in silico analysis. Based on the available evidence, the clinical significance of this variant remains unclear.

Labcorp Genetics (formerly Invitae), Labcorp
Classification: Uncertain significance for Renal cell carcinoma. Last evaluated: 2023-10-22. Review status: criteria provided, single submitter. Criteria: Invitae Variant Classification Sherloc (09022015). Collection method: clinical testing. Allele origin: germline.
Comment: This sequence change replaces proline, which is neutral and non-polar, with leucine, which is neutral and non-polar, at codon 533 of the MET protein (p.Pro533Leu). This variant is not present in population databases (gnomAD no frequency). This variant has not been reported in the literature in individuals affected with MET-related conditions. ClinVar contains an entry for this variant (Variation ID: 1318630). Advanced modeling of protein sequence and biophysical properties (such as structural, functional, and spatial information, amino acid conservation, physicochemical variation, residue mobility, and thermodynamic stability) performed at Invitae indicates that this missense variant is expected to disrupt MET protein function. In summary, the available evidence is currently insufficient to determine the role of this variant in disease. Therefore, it has been classified as a Variant of Uncertain Significance.

GeneDx
Classification: Uncertain significance. Last evaluated: 2020-08-28. Review status: criteria provided, single submitter. Criteria: GeneDx Variant Classification Process June 2021. Collection method: clinical testing. Allele origin: germline. Affected: yes.
Comment: Not observed in large population cohorts (Lek 2016); In silico analysis supports that this missense variant has a deleterious effect on protein structure/function; Has not been previously published as pathogenic or benign to our knowledge